The following is an entry in ClinVar:

ClinVar aggregate classification (germline): Uncertain significance. Review status: reviewed by expert panel (3 of 4 stars). 2 submissions from 2 submitters: Uncertain significance (1). 1 of the submissions does not count toward it. Last evaluated 2024-09-16.

Conditions:
Hereditary thrombocytopenia and hematologic cancer predisposition syndrome. Identifiers: Orphanet 71290, MedGen CN281654, MONDO:0011071.
Hereditary thrombocytopenia and hematological cancer predisposition syndrome associated with RUNX1. Also called: Familial Platelet Disorder with Propensity to Acute Myelogenous Leukemia; Familial thrombocytopenia with propensity to acute myelogenous leukemia; RUNX1 Familial Platelet Disorder with Associated Myeloid Malignancies; PLATELET DISORDER, ASPIRIN-LIKE. Identifiers: Orphanet 71290, MedGen C1832388, MeSH C563324, MONDO:0100083, OMIM 601399.

Allele frequency attached by ClinVar (database versions not stated): gnomAD exomes below 0.00001; ExAC 0.00009.
gnomAD v4.1: 3 of 1,540,812 alleles (0.00019%); highest among the groups gnomAD compares: South Asian, 0.0024%; no homozygotes.

Submissions (2):

ClinGen Myeloid Malignancy Variant Curation Expert Panel
Classification: Uncertain significance for Hereditary thrombocytopenia and hematologic cancer predisposition syndrome. Last evaluated: 2024-09-16. Review status: reviewed by expert panel. Criteria: ClinGen MyeloMalig ACMG Specifications v2. Collection method: curation. Allele origin: germline. Inheritance: Autosomal dominant inheritance.
Comment: NM_001754.5(RUNX1):c.1349G>A (p.Ser450Asn) is a missense variant which has a REVEL score < 0.50 (0.168), and a SpliceAI score ≤ 0.20 (0.0) (BP4). In summary, the clinical significance of this variant is uncertain. ACMG/AMP criteria applied, as specified by the Myeloid Malignancy Variant Curation Expert Panel for RUNX1: BP4.

Labcorp Genetics (formerly Invitae), Labcorp
Classification: Uncertain significance for Hereditary thrombocytopenia and hematological cancer predisposition syndrome associated with RUNX1. Last evaluated: 2023-11-17. Review status: criteria provided, single submitter. Criteria: Invitae Variant Classification Sherloc (09022015). Collection method: clinical testing. Allele origin: germline. Not counted in ClinVar's aggregate classification.
Comment: This sequence change replaces serine, which is neutral and polar, with asparagine, which is neutral and polar, at codon 450 of the RUNX1 protein (p.Ser450Asn). The frequency data for this variant in the population databases is considered unreliable, as metrics indicate poor data quality at this position in the gnomAD database. This variant has not been reported in the literature in individuals affected with RUNX1-related conditions. Algorithms developed to predict the effect of missense changes on protein structure and function output the following: SIFT: "Not Available"; PolyPhen-2: "Benign"; Align-GVGD: "Not Available". The asparagine amino acid residue is found in multiple mammalian species, which suggests that this missense change does not adversely affect protein function. In summary, the available evidence is currently insufficient to determine the role of this variant in disease. Therefore, it has been classified as a Variant of Uncertain Significance.

NM_001754.5(RUNX1):c.1349G>A (p.Ser450Asn)

Gene: RUNX1 (RUNX family transcription factor 1; minus strand). Cytogenetic location: 21q22.12.
Variant type: single nucleotide variant.
Coding change: c.1349G>A on transcript NM_001754.5 (MANE Select); coding-DNA position 1349, G replaced by A.
Protein change: p.Ser450Asn; replaces serine 450 with asparagine.
Molecular consequence: missense variant.
Genome position (GRCh38, 1-based): chr21:34,792,229, C>T on the plus strand (G>A on the coding strand, the complement: RUNX1 is on the minus strand). VCF-style: chr21-34792229-C-T. GRCh37 (hg19) VCF-style: chr21-36164526-C-T.
Other names: NM_001754.5(RUNX1):c.1349G>A; p.Ser450Asn; c.1268G>A, p.Ser423Asn (NM_001001890.3); short protein forms S423N, S450N.
Identifiers: ClinVar variation 3017323 (VCV003017323.4), dbSNP rs781167744, ClinGen allele CA10014183.